The following is an entry in ClinVar:

ClinVar aggregate classification (germline): Pathogenic (1 of 4 stars; one submission).

Conditions:
Oculocutaneous albinism type 1A (OCA1A). Also called: Albinism, oculocutaneous, type IA. Identifiers: Orphanet 352731, Orphanet 79431, MedGen C4551504, MONDO:0008745, OMIM 203100. Disease mechanism: loss of function.
Oculocutaneous albinism type 1B (OCA1B). Also called: YELLOW ALBINISM; ALBINISM, OCULOCUTANEOUS, TYPE IB; ALBINISM, YELLOW MUTANT TYPE. Identifiers: Orphanet 352731, Orphanet 352737, Orphanet 79434, MedGen C1847024, MONDO:0011749, OMIM 606952.

Submission:

Juno Genomics, Hangzhou Juno Genomics, Inc
Classification: Pathogenic for Oculocutaneous albinism type 1A; Oculocutaneous albinism type 1B. Review status: criteria provided, single submitter. Criteria: ACMG Guidelines, 2015. Collection method: clinical testing. Allele origin: germline. Affected: yes.
Comment: Absent from controls (or at extremely low frequency if recessive) in Genome Aggregation Database, Exome Sequencing Project, 1000 Genomes Project, or Exome Aggregation Consortium.;Null variant in a gene where loss of function (LOF) is a known mechanism of disease.;For recessive disorders, detected in trans with a pathogenic variant.;Patient's phenotype or family history is highly specific for a disease with a single genetic etiology.

NM_000372.5(TYR):c.1200G>A (p.Trp400Ter)

Gene: TYR (tyrosinase; plus strand). Cytogenetic location: 11q14.3.
Variant type: single nucleotide variant.
Coding change: c.1200G>A on transcript NM_000372.5 (MANE Select); coding-DNA position 1200, G replaced by A.
Protein change: p.Trp400Ter; replaces tryptophan 400 with a stop codon.
Molecular consequence: nonsense.
Genome position (GRCh38, 1-based): chr11:89,284,788, G>A. VCF-style: chr11-89284788-G-A. GRCh37 (hg19) VCF-style: chr11-89017956-G-A.
Other names: short protein forms W400*.
Identifiers: ClinVar variation 3382415 (VCV003382415.2).